The following is an entry in ClinVar:

ClinVar aggregate classification (germline): Uncertain significance (1 of 4 stars; one submission).

Submission:

GeneDx
Classification: Uncertain significance. Last evaluated: 2025-04-14. Review status: criteria provided, single submitter. Criteria: GeneDx Variant Classification Process June 2021. Collection method: clinical testing. Allele origin: germline.
Comment: Not observed at significant frequency in large population cohorts (gnomAD); In silico analysis supports that this missense variant has a deleterious effect on protein structure/function; Has not been previously published as pathogenic or benign to our knowledge

NM_001378969.1(KCND3):c.1187C>T (p.Ala396Val)

Gene: KCND3 (potassium voltage-gated channel subfamily D member 3; minus strand). Cytogenetic location: 1p13.2.
Variant type: single nucleotide variant.
Coding change: c.1187C>T on transcript NM_001378969.1 (MANE Select); coding-DNA position 1187, C replaced by T.
Protein change: p.Ala396Val; replaces alanine 396 with valine.
Molecular consequence: missense variant.
Genome position (GRCh38, 1-based): chr1:111,787,026, G>A on the plus strand (C>T on the coding strand, the complement: KCND3 is on the minus strand). VCF-style: chr1-111787026-G-A. GRCh37 (hg19) VCF-style: chr1-112329648-G-A.
Other names: c.1187C>T, p.Ala396Val (NM_001378970.1, NM_004980.5, NM_172198.3); short protein forms A396V.
Identifiers: ClinVar variation 3363574 (VCV003363574.2).